The following is an entry in ClinVar:

ClinVar aggregate classification (germline): Likely benign (1 of 4 stars; one submission).

Allele frequency attached by ClinVar (database versions not stated): gnomAD exomes 0.00007.
gnomAD v4.1: 115 of 1,562,180 alleles (0.0074%); highest among the groups gnomAD compares: Non-Finnish European, 0.0077%; no homozygotes.

Submission:

CeGaT Center for Human Genetics Tuebingen
Classification: Likely benign. Last evaluated: 2023-02-01. Review status: criteria provided, single submitter. Criteria: CeGaT Center For Human Genetics Tuebingen Variant Classification Criteria Version 2. Collection method: clinical testing. Allele origin: germline. Affected: yes. Observed: 1 variant allele.
Comment: RIF1: BP4, BP7

NM_018151.5(RIF1):c.1635A>T (p.Val545=)

Gene: RIF1 (replication timing regulatory factor 1; plus strand). Cytogenetic location: 2q23.3.
Variant type: single nucleotide variant.
Coding change: c.1635A>T on transcript NM_018151.5 (MANE Select); coding-DNA position 1635, A replaced by T.
Protein change: p.Val545=; no amino-acid change (valine 545 retained).
Molecular consequence: synonymous variant.
Genome position (GRCh38, 1-based): chr2:151,440,115, A>T. VCF-style: chr2-151440115-A-T. GRCh37 (hg19) VCF-style: chr2-152296629-A-T.
Other names: c.1635A>T, p.Val545= (NM_001177663.2, NM_001177664.2, NM_001177665.2).
Identifiers: ClinVar variation 2651420 (VCV002651420.24), dbSNP rs377146982, ClinGen allele CA1904246.